The following is an entry in ClinVar:

NM_006269.2(RP1):c.354C>G (p.Asp118Glu)

Gene: RP1 (RP1 axonemal microtubule associated; plus strand). Cytogenetic location: 8q12.1.
Variant type: single nucleotide variant.
Coding change: c.354C>G on transcript NM_006269.2 (MANE Select); coding-DNA position 354, C replaced by G.
Protein change: p.Asp118Glu; replaces aspartic acid 118 with glutamic acid.
Molecular consequence: missense variant.
Genome position (GRCh38, 1-based): chr8:54,621,320, C>G. VCF-style: chr8-54621320-C-G. GRCh37 (hg19) VCF-style: chr8-55533880-C-G.
Other names: c.354C>G, p.Asp118Glu (NM_001375654.1); short protein forms D118E.
Identifiers: ClinVar variation 2779377 (VCV002779377.3), dbSNP rs780556232, ClinGen allele CA4751122.

ClinVar aggregate classification (germline): Uncertain significance (1 of 4 stars; one submission).

Allele frequency attached by ClinVar (database versions not stated): ExAC 0.00001; gnomAD 0.00002; TOPMed 0.00002.
gnomAD v4.1: 15 of 1,612,548 alleles (0.00093%); highest among the groups gnomAD compares: African/African-American, 0.0067%; no homozygotes.

Submission:

Labcorp Genetics (formerly Invitae), Labcorp
Classification: Uncertain significance. Last evaluated: 2024-11-21. Review status: criteria provided, single submitter. Criteria: Invitae Variant Classification Sherloc (09022015). Collection method: clinical testing. Allele origin: germline.
Comment: This sequence change replaces aspartic acid, which is acidic and polar, with glutamic acid, which is acidic and polar, at codon 118 of the RP1 protein (p.Asp118Glu). This variant is present in population databases (rs780556232, gnomAD 0.007%). This variant has not been reported in the literature in individuals affected with RP1-related conditions. ClinVar contains an entry for this variant (Variation ID: 2779377). An algorithm developed to predict the effect of missense changes on protein structure and function outputs the following: PolyPhen-2: "Benign". The glutamic acid amino acid residue is found in multiple mammalian species, which suggests that this missense change does not adversely affect protein function. In summary, the available evidence is currently insufficient to determine the role of this variant in disease. Therefore, it has been classified as a Variant of Uncertain Significance.